The following is an entry in ClinVar:

ClinVar aggregate classification (germline): Conflicting classifications of pathogenicity. Review status: criteria provided, conflicting classifications (1 of 4 stars). 8 submissions from 6 submitters: Uncertain significance (6); Benign (1); Likely benign (1). Last evaluated 2025-12-22.

Conditions:
Hereditary macular dystrophy. Also called: Genetic macular dystrophy. Identifiers: MedGen C0339508, MONDO:0020242.
Retinitis pigmentosa 12 (RP12). Also called: RP WITH OR WITHOUT PRESERVED PARAARTERIOLE RETINAL PIGMENT EPITHELIUM; RETINITIS PIGMENTOSA WITH OR WITHOUT PARAARTERIOLAR PRESERVATION OF RETINAL PIGMENT EPITHELIUM; RP WITH OR WITHOUT PPRPE. Identifiers: Orphanet 791, MedGen C1838647, MONDO:0010818, OMIM 600105.
Leber congenital amaurosis 8 (LCA8). Identifiers: Orphanet 65, MedGen C3151202, MONDO:0013453, OMIM 613835.
Retinitis pigmentosa (RP). Identifiers: Orphanet 791, MedGen C0035334, MeSH D012174, MONDO:0019200, OMIM 268000. Inheritance: Autosomal dominant, autosomal recessive and X linked inheritance.
CRB1-related disorder. Also called: CRB1-related condition; CRB1-related disorders.
Retinal dystrophy. Also called: Inherited retinal dystrophy. Identifiers: Orphanet 71862, MedGen C0854723, MeSH D058499, MONDO:0019118, HP:0000556.
Pigmented paravenous retinochoroidal atrophy. Identifiers: Orphanet 251295, MedGen C1868310, MONDO:0008246, OMIM 172870.

Allele frequency attached by ClinVar (database versions not stated): 1000 Genomes Project 30x 0.00016; 1000 Genomes Project 0.00020; TOPMed 0.00034; ESP Exome Variant Server 0.00038; gnomAD exomes 0.00042; ExAC 0.00044; gnomAD 0.00044 and 0.00045.
gnomAD v4.1: 426 of 1,613,522 alleles (0.026%); highest among the groups gnomAD compares: East Asian, 0.1%; no homozygotes.

Submissions (8):

PreventionGenetics, part of Exact Sciences
Classification: Uncertain significance for CRB1-related condition. Last evaluated: 2025-12-22. Review status: criteria provided, single submitter. Criteria: ACMG Guidelines, 2015. Collection method: clinical testing. Allele origin: germline.
Comment: The CRB1 c.3695A>G variant is predicted to result in the amino acid substitution p.His1232Arg. This variant was reported, along with another missense variant in the same gene, in an individual with retinitis pigmentosa (Ng et al. 2022. PubMed ID: 33846575). However, this variant is reported in 0.26% of alleles in individuals of European (Finnish) descent in gnomAD, which is likely too frequent to be a primary cause of disease. Although we suspect that this variant may be benign, at this time, the clinical significance of this variant is uncertain due to the absence of conclusive functional and genetic evidence.

Labcorp Genetics (formerly Invitae), Labcorp
Classification: Likely benign for Leber congenital amaurosis 8; Retinitis pigmentosa 12. Last evaluated: 2025-11-13. Review status: criteria provided, single submitter. Criteria: Invitae Variant Classification Sherloc (09022015). Collection method: clinical testing. Allele origin: germline.

Blueprint Genetics
Classification: Uncertain significance. Last evaluated: 2024-11-11. Review status: criteria provided, single submitter. Criteria: ACMG Guidelines, 2015. Collection method: clinical testing. Allele origin: germline.

Dept Of Ophthalmology, Nagoya University
Classification: Uncertain significance for Retinal dystrophy. Last evaluated: 2023-10-01. Review status: criteria provided, single submitter. Criteria: Submitter's publication. Collection method: research. Allele origin: germline. Affected: yes.

Department of Pathology and Laboratory Medicine, Sinai Health System
Classification: Uncertain significance for hereditary macular dystrophy. Last evaluated: 2020-08-13. Review status: criteria provided, single submitter. Criteria: ACMG Guidelines, 2015. Collection method: research. Allele origin: germline.

Illumina Laboratory Services, Illumina
Classification: Benign for Pigmented paravenous retinochoroidal atrophy. Last evaluated: 2018-01-12. Review status: criteria provided, single submitter. Criteria: ICSL Variant Classification Criteria 13 December 2019. Collection method: clinical testing. Allele origin: germline.
Comment: This variant was observed in the ICSL laboratory as part of a predisposition screen in an ostensibly healthy population. It had not been previously curated by ICSL or reported in the Human Gene Mutation Database (HGMD: prior to June 1st, 2018), and was therefore a candidate for classification through an automated scoring system. Utilizing variant allele frequency, disease prevalence and penetrance estimates, and inheritance mode, an automated score was calculated to assess if this variant is too frequent to cause the disease. Based on the score and internal cut-off values, a variant classified as benign is not then subjected to further curation. The score for this variant resulted in a classification of benign for this disease.

Illumina Laboratory Services, Illumina
Classification: Uncertain significance for Leber congenital amaurosis 8. Last evaluated: 2018-01-12. Review status: criteria provided, single submitter. Criteria: ICSL Variant Classification Criteria 13 December 2019. Collection method: clinical testing. Allele origin: germline.

Illumina Laboratory Services, Illumina
Classification: Uncertain significance for Retinitis pigmentosa. Last evaluated: 2018-01-12. Review status: criteria provided, single submitter. Criteria: ICSL Variant Classification Criteria 13 December 2019. Collection method: clinical testing. Allele origin: germline.

NM_201253.3(CRB1):c.3695A>G (p.His1232Arg)

Gene: CRB1 (crumbs cell polarity complex component 1; plus strand). Cytogenetic location: 1q31.3.
Variant type: single nucleotide variant.
Coding change: c.3695A>G on transcript NM_201253.3 (MANE Select); coding-DNA position 3695, A replaced by G.
Protein change: p.His1232Arg; replaces histidine 1232 with arginine.
Molecular consequence: missense variant. On other transcripts: non-coding transcript variant (2), intron variant (1).
Genome position (GRCh38, 1-based): chr1:197,435,558, A>G. VCF-style: chr1-197435558-A-G. GRCh37 (hg19) VCF-style: chr1-197404688-A-G.
Other names: c.3359A>G, p.His1120Arg (NM_001193640.2); c.3623A>G, p.His1208Arg (NM_001257965.2); c.2129-42A>G (NM_001257966.2); short protein forms H1232R, H1120R, H1208R.
Identifiers: ClinVar variation 294688 (VCV000294688.19), dbSNP rs142090517, ClinGen allele CA1312377.
Genomic context (GRCh38, chr1:197,435,558, plus strand): 5'-AAGTGGATATAGACAACTGCCAGAGTCACCAGTGTGCAAATGGAGCCACCTGCATTAGTC[A>G]TACTAATGGCTATTCTTGCCTCTGTTTTGGAAATTTTACAGGAAAATTTTGCAGGTGAGC-3'
Protein context (NP_957705.1, residues 1222-1242): QCANGATCIS[His1232Arg]TNGYSCLCFG